The following is an entry in ClinVar:

NM_032409.3(PINK1):c.1342G>A (p.Gly448Arg)

Genes: PINK1 (PTEN induced kinase 1; plus strand), PINK1-AS (PINK1 antisense RNA; minus strand). Cytogenetic location: 1p36.12.
Variant type: single nucleotide variant.
Coding change: c.1342G>A on transcript NM_032409.3 (MANE Select); coding-DNA position 1342, G replaced by A.
Protein change: p.Gly448Arg; replaces glycine 448 with arginine.
Molecular consequence: missense variant. On other transcripts: non-coding transcript variant (1).
Genome position (GRCh38, 1-based): chr1:20,649,085, G>A. VCF-style: chr1-20649085-G-A. GRCh37 (hg19) VCF-style: chr1-20975578-G-A.
Other names: short protein forms G448R.
Identifiers: ClinVar variation 4534132 (VCV004534132.6).

ClinVar aggregate classification (germline): Uncertain significance (1 of 4 stars; one submission).

gnomAD v4.1: 18 of 1,614,196 alleles (0.0011%); highest among the groups gnomAD compares: East Asian, 0.0089%; no homozygotes.

Submission:

CeGaT Center for Human Genetics Tuebingen
Classification: Uncertain significance. Last evaluated: 2025-10-01. Review status: criteria provided, single submitter. Criteria: CeGaT Center For Human Genetics Tuebingen Variant Classification Criteria Version 2. Collection method: clinical testing. Allele origin: germline. Affected: yes. Observed: 1 variant allele.
Comment: PINK1: PM2, PP3